The following is an entry in ClinVar:

NM_000059.4(BRCA2):c.1732G>A (p.Gly578Ser)

Gene: BRCA2 (BRCA2 DNA repair associated; plus strand). Cytogenetic location: 13q13.1.
Variant type: single nucleotide variant.
Coding change: c.1732G>A on transcript NM_000059.4 (MANE Select); coding-DNA position 1732, G replaced by A.
Protein change: p.Gly578Ser; replaces glycine 578 with serine.
Molecular consequence: missense variant.
Genome position (GRCh38, 1-based): chr13:32,333,210, G>A. VCF-style: chr13-32333210-G-A. GRCh37 (hg19) VCF-style: chr13-32907347-G-A.
Other names: short protein forms G578S.
Identifiers: ClinVar variation 840855 (VCV000840855.12), dbSNP rs1555282036, ClinGen allele CA387765397.

ClinVar aggregate classification (germline): Conflicting classifications of pathogenicity. Review status: criteria provided, conflicting classifications (1 of 4 stars). 3 submissions from 3 submitters: Uncertain significance (2); Likely benign (1). Last evaluated 2024-06-06.

Conditions:
Hereditary cancer-predisposing syndrome. Also called: Hereditary Cancer Syndrome; Hereditary neoplastic syndrome; Tumor predisposition; Neoplastic Syndromes, Hereditary. Identifiers: Orphanet 140162, MedGen C0027672, MeSH D009386, MONDO:0015356.
Hereditary breast ovarian cancer syndrome. Also called: Breast and ovarian cancer; Hereditary breast and ovarian cancer syndrome; Hereditary breast and ovarian cancer syndrome (HBOC); BRCA1- and BRCA2-Associated Hereditary Breast and Ovarian Cancer; Hereditary breast and ovarian cancer; Hereditary breast and/or ovarian cancer syndrome. Identifiers: Orphanet 145, MedGen C0677776, MeSH D061325, MONDO:0003582. Disease mechanism: loss of function.

Submissions (3):

Labcorp Genetics (formerly Invitae), Labcorp
Classification: Uncertain significance for Hereditary breast ovarian cancer syndrome. Last evaluated: 2024-06-06. Review status: criteria provided, single submitter. Criteria: Invitae Variant Classification Sherloc (09022015). Collection method: clinical testing. Allele origin: germline.
Comment: This sequence change replaces glycine, which is neutral and non-polar, with serine, which is neutral and polar, at codon 578 of the BRCA2 protein (p.Gly578Ser). This variant is not present in population databases (gnomAD no frequency). This missense change has been observed in individual(s) with clinical features of BRCA2-related conditions (PMID: 21520333). ClinVar contains an entry for this variant (Variation ID: 840855). Advanced modeling of protein sequence and biophysical properties (such as structural, functional, and spatial information, amino acid conservation, physicochemical variation, residue mobility, and thermodynamic stability) performed at Invitae indicates that this missense variant is not expected to disrupt BRCA2 protein function with a negative predictive value of 95%. In summary, the available evidence is currently insufficient to determine the role of this variant in disease. Therefore, it has been classified as a Variant of Uncertain Significance.

Ambry Genetics
Classification: Uncertain significance for Hereditary cancer-predisposing syndrome. Last evaluated: 2024-05-30. Review status: criteria provided, single submitter. Criteria: Ambry Variant Classification Scheme 2023. Collection method: clinical testing. Allele origin: germline.
Comment: The p.G578S variant (also known as c.1732G>A), located in coding exon 9 of the BRCA2 gene, results from a G to A substitution at nucleotide position 1732. The glycine at codon 578 is replaced by serine, an amino acid with similar properties. This amino acid position is well conserved in available vertebrate species. In addition, this alteration is predicted to be tolerated by in silico analysis. Based on the available evidence, the clinical significance of this variant remains unclear.

University of Washington Department of Laboratory Medicine, University of Washington
Classification: Likely benign for Hereditary cancer-predisposing syndrome. Last evaluated: 2023-03-23. Review status: criteria provided, single submitter. Criteria: Dines et al. (Genet Med. 2020). Collection method: curation. Allele origin: germline.
Comment: Missense variant in a coldspot region where missense variants are very unlikely to be pathogenic (PMID:31911673).

BRCA2 exon 10 coldspot. Reclassification based on statistical prior probability.

Literature cited by the submitters: PubMed 21520333 (cited by Labcorp Genetics (formerly Invitae), Labcorp).